The following is an entry in ClinVar:

NM_002878.4(RAD51D):c.903+5_903+6del

Genes: RAD51L3-RFFL (RAD51L3-RFFL readthrough; minus strand), RAD51D (RAD51 paralog D; minus strand). Cytogenetic location: 17q12.
Variant type: Deletion.
Coding change: c.903+5_903+6del on transcript NM_002878.4 (MANE Select); bases 5 to 6 of the intron after coding-DNA position 903, 2 bases deleted (GC; older notation c.903+5_903+6delGC).
Molecular consequence: intron variant.
Genome position (GRCh38, 1-based): chr17:35,101,195-35,101,196, GC deleted on the plus strand (GC on the coding strand, the reverse complement: RAD51D is on the minus strand). VCF-style (leftmost placement, unchanged base first): chr17-35101194-GGC-G. GRCh37 (hg19) VCF-style: chr17-33428213-GGC-G.
Other names: c.567+5_567+6del (NM_133629.3); c.963+5_963+6del (NM_001142571.2).
Identifiers: ClinVar variation 3222893 (VCV003222893.1), dbSNP rs2509124162, ClinGen allele CA2825002488.

ClinVar aggregate classification (germline): Uncertain significance (1 of 4 stars; one submission).

Conditions:
Hereditary cancer-predisposing syndrome. Also called: Tumor predisposition; Hereditary neoplastic syndrome; Hereditary Cancer Syndrome; Neoplastic Syndromes, Hereditary. Identifiers: Orphanet 140162, MedGen C0027672, MeSH D009386, MONDO:0015356.

Submission:

Ambry Genetics
Classification: Uncertain significance for Hereditary cancer-predisposing syndrome. Last evaluated: 2023-12-28. Review status: criteria provided, single submitter. Criteria: Ambry Variant Classification Scheme 2023. Collection method: clinical testing. Allele origin: germline.
Comment: The c.903+5_903+6delGC intronic variant, located in intron 9 of the RAD51D gene, results from a deletion of two nucleotides within intron 9 of the RAD51D gene. These nucleotide positions are well conserved in available vertebrate species. In silico splice site analysis predicts that this alteration may weaken the native splice donor site; however, direct evidence is insufficient at this time (Ambry internal data). Since supporting evidence is limited at this time, the clinical significance of this alteration remains unclear.